The following is an entry in ClinVar:

NM_000642.3(AGL):c.530dup (p.Asn177fs)

Gene: AGL (amylo-alpha-1,6-glucosidase and 4-alpha-glucanotransferase; plus strand). Cytogenetic location: 1p21.2.
Variant type: Duplication.
Coding change: c.530dup on transcript NM_000642.3 (MANE Select); coding-DNA position 530, one base duplicated (A; older notation c.530dupA).
Protein change: p.Asn177fs; shifts the reading frame from asparagine 177.
Molecular consequence: frameshift variant.
Genome position (GRCh38, 1-based): chr1:99,864,455, A duplicated; the last of 2 consecutive A bases (chr1:99,864,454-99,864,455); duplicating either gives the same sequence. VCF-style (leftmost placement, unchanged base first): chr1-99864453-C-CA. GRCh37 (hg19) VCF-style: chr1-100330009-C-CA.
Other names: c.530dup, p.Asn177Lysfs (NM_000028.3, NM_000643.3, NM_000644.3 and 3 more transcripts); c.482dup, p.Asn161Lysfs (NM_000646.3); c.152dup, p.Asn51Lysfs (NM_001425332.1); short protein forms N177fs, N161fs.
Identifiers: ClinVar variation 2105345 (VCV002105345.4), dbSNP rs758711507, ClinGen allele CA966205.

ClinVar aggregate classification (germline): Pathogenic (1 of 4 stars; one submission).

Conditions:
Glycogen storage disease type III (GSD3). Also called: FORBES DISEASE; Cori disease. Identifiers: Orphanet 366, MedGen C0017922, MONDO:0009291, OMIM 232400.

Submission:

Labcorp Genetics (formerly Invitae), Labcorp
Classification: Pathogenic for Glycogen storage disease type III. Last evaluated: 2023-09-21. Review status: criteria provided, single submitter. Criteria: Invitae Variant Classification Sherloc (09022015). Collection method: clinical testing. Allele origin: germline.
Comment: This variant has not been reported in the literature in individuals affected with AGL-related conditions. For these reasons, this variant has been classified as Pathogenic. ClinVar contains an entry for this variant (Variation ID: 2105345). This variant is present in population databases (rs758711507, gnomAD 0.003%). This sequence change creates a premature translational stop signal (p.Asn177Lysfs*8) in the AGL gene. It is expected to result in an absent or disrupted protein product. Loss-of-function variants in AGL are known to be pathogenic (PMID: 19299494).

Literature cited by the submitters: PubMed 19299494.